The following is an entry in ClinVar:

NM_006096.4(NDRG1):c.537+6G>A

Gene: NDRG1 (N-myc downstream regulated 1; minus strand). Cytogenetic location: 8q24.22.
Variant type: single nucleotide variant.
Coding change: c.537+6G>A on transcript NM_006096.4 (MANE Select); 6 bases into the intron after coding-DNA position 537, G replaced by A.
Molecular consequence: intron variant. On other transcripts: synonymous variant (1).
Genome position (GRCh38, 1-based): chr8:133,256,771, C>T on the plus strand (G>A on the coding strand, the complement: NDRG1 is on the minus strand). VCF-style: chr8-133256771-C-T. GRCh37 (hg19) VCF-style: chr8-134269014-C-T.
Other names: c.543G>A, p.Arg181= (NM_001374844.1); c.339+6G>A (NM_001258432.2, NM_001374847.1); c.294+6G>A (NM_001258433.2); c.537+6G>A (NM_001135242.2, NM_001374845.1, NM_001374846.1).
Identifiers: ClinVar variation 1395379 (VCV001395379.6), dbSNP rs556570301, ClinGen allele CA847734075.
Genomic context (GRCh38, chr8:133,256,771, plus strand): 5'-AGAGGCTGTGTGCACCTGTCCCTCTTCTTGCAGGGATCCCGCCGGCCTGACAGGCCCCCA[C>T]CTCACCTTGGAGGCGGCCCAGTCCATCCAGCCTTCCGCACAAGGGTTCACGTTGATAAGG-3'

ClinVar aggregate classification (germline): Uncertain significance (1 of 4 stars; one submission).

Conditions:
Charcot-Marie-Tooth disease type 4. Also called: Charcot-Marie-Tooth, Type 4; Charcot-Marie-Tooth disease, type IV. Identifiers: Orphanet 64749, MedGen C4082197, MONDO:0018995.

Allele frequency attached by ClinVar (database versions not stated): gnomAD 0.00001; TOPMed 0.00001.
gnomAD v4.1: 1 of 1,613,960 alleles (0.000062%); highest among the groups gnomAD compares: African/African-American, 0.0013%; no homozygotes.

Submission:

Labcorp Genetics (formerly Invitae), Labcorp
Classification: Uncertain significance for Charcot-Marie-Tooth disease type 4. Last evaluated: 2021-12-02. Review status: criteria provided, single submitter. Criteria: Invitae Variant Classification Sherloc (09022015). Collection method: clinical testing. Allele origin: germline.
Comment: This variant has not been reported in the literature in individuals affected with NDRG1-related conditions. Variants that disrupt the consensus splice site are a relatively common cause of aberrant splicing (PMID: 17576681, 9536098). Algorithms developed to predict the effect of sequence changes on RNA splicing suggest that this variant is not likely to affect RNA splicing. In summary, the available evidence is currently insufficient to determine the role of this variant in disease. Therefore, it has been classified as a Variant of Uncertain Significance. This variant is not present in population databases (gnomAD no frequency). This sequence change falls in intron 8 of the NDRG1 gene. It does not directly change the encoded amino acid sequence of the NDRG1 protein. It affects a nucleotide within the consensus splice site.

Literature cited by the submitters: PubMed 17576681; PubMed 9536098.